The following is an entry in ClinVar:

ClinVar aggregate classification (germline): Benign. Review status: criteria provided, multiple submitters, no conflicts (2 of 4 stars). 2 submissions from 2 submitters: Benign (2). Last evaluated 2018-06-14.

Allele frequency attached by ClinVar (database versions not stated): 1000 Genomes Project 0.92512; 1000 Genomes Project 30x 0.92817; gnomAD exomes 0.96032; gnomAD 0.96038 and 0.96439; TOPMed 0.96583.
gnomAD v4.1: 1,317,982 of 1,372,710 alleles (96%); highest among the groups gnomAD compares: African/African-American, 99%; 633,694 homozygotes.

Submissions (2):

GeneDx
Classification: Benign. Last evaluated: 2018-06-14. Review status: criteria provided, single submitter. Criteria: GeneDx Variant Classification (06012015). Collection method: clinical testing. Allele origin: germline. Affected: yes.
Comment: This variant is considered likely benign or benign based on one or more of the following criteria: it is a conservative change, it occurs at a poorly conserved position in the protein, it is predicted to be benign by multiple in silico algorithms, and/or has population frequency not consistent with disease.

Breakthrough Genomics
Classification: Benign. Review status: criteria provided, single submitter. Criteria: ACMG Guidelines, 2015. Collection method: not provided. Allele origin: germline. Inheritance: Autosomal recessive inheritance. Affected: yes.

NM_006017.3(PROM1):c.1578+69A>G

Gene: PROM1 (prominin 1; minus strand). Cytogenetic location: 4p15.32.
Variant type: single nucleotide variant.
Coding change: c.1578+69A>G on transcript NM_006017.3 (MANE Select); 69 bases into the intron after coding-DNA position 1578, A replaced by G.
Molecular consequence: intron variant.
Genome position (GRCh38, 1-based): chr4:16,000,427, T>C on the plus strand (A>G on the coding strand, the complement: PROM1 is on the minus strand). VCF-style: chr4-16000427-T-C. GRCh37 (hg19) VCF-style: chr4-16002050-T-C.
Other names: c.1551+69A>G (NM_001145848.2, NM_001145852.2, NM_001145847.2 and 4 more transcripts); c.1578+69A>G (NM_001145850.2, NM_001145849.2).
Identifiers: ClinVar variation 677208 (VCV000677208.2), dbSNP rs6449212, ClinGen allele CA92589144.
Genomic context (GRCh38, chr4:16,000,427, plus strand): 5'-TCAAGAAATTTACTGAATTTAAACCAAACTGCTTATAAGTTTGCACTGCTCTTAAAGTAA[T>C]GCACAATATATGAAGAAATCCAAGTTTCTGTTCAAGTCCTTTCATAATGGGTAGAAAATC-3'